The following is an entry in ClinVar:

NM_000235.4(LIPA):c.539-17G>A

Gene: LIPA (lipase A, lysosomal acid type; minus strand). Cytogenetic location: 10q23.31.
Variant type: single nucleotide variant.
Coding change: c.539-17G>A on transcript NM_000235.4 (MANE Select); 17 bases into the intron before coding-DNA position 539, G replaced by A.
Molecular consequence: intron variant.
Genome position (GRCh38, 1-based): chr10:89,225,245, C>T on the plus strand (G>A on the coding strand, the complement: LIPA is on the minus strand). VCF-style: chr10-89225245-C-T. GRCh37 (hg19) VCF-style: chr10-90985002-C-T.
Other names: p.?; c.191-17G>A (NM_001288979.2); c.539-17G>A (NM_001127605.3).
Identifiers: ClinVar variation 1165333 (VCV001165333.12), dbSNP rs41284118, ClinGen allele CA5593689.

ClinVar aggregate classification (germline): Benign/Likely benign. Review status: criteria provided, multiple submitters, no conflicts (2 of 4 stars). 4 submissions from 4 submitters: Benign (2); Likely benign (2). Last evaluated 2026-02-01.

Conditions:
Wolman disease (WOLD). Also called: Acid cholesteryl ester hydrolase deficiency, Wolman type; Acid lipase disease; Infantile-Onset LAL-D (Wolman Disease); Wolman disease, CESD; LYSOSOMAL ACID LIPASE DEFICIENCY, ACUTE INFANTILE; LYSOSOMAL ACID LIPASE DEFICIENCY, COMPLETE. Identifiers: Orphanet 75233, MedGen C0043208, MONDO:0019148, OMIM 620151.

Allele frequency attached by ClinVar (database versions not stated): gnomAD 0.00110 and 0.00113; 1000 Genomes Project 0.00120; TOPMed 0.00121; 1000 Genomes Project 30x 0.00125; gnomAD exomes 0.00138 and 0.00200; ExAC 0.00148; ESP Exome Variant Server 0.00185.
gnomAD v4.1: 3,076 of 1,613,978 alleles (0.19%); highest among the groups gnomAD compares: Non-Finnish European, 0.22%; 6 homozygotes.

Submissions (4):

Labcorp Genetics (formerly Invitae), Labcorp
Classification: Benign for Wolman disease. Last evaluated: 2026-02-01. Review status: criteria provided, single submitter. Criteria: Invitae Variant Classification Sherloc (09022015). Collection method: clinical testing. Allele origin: germline.

Mayo Clinic Laboratories, Mayo Clinic
Classification: Likely benign. Last evaluated: 2025-05-07. Review status: criteria provided, single submitter. Criteria: ACMG Guidelines, 2015. Collection method: clinical testing. Allele origin: germline. Observed: 3 variant alleles.
Comment: BS1, BS2, BP4, BP7

Blueprint Genetics
Classification: Likely benign. Last evaluated: 2024-11-23. Review status: criteria provided, single submitter. Criteria: ACMG Guidelines, 2015. Collection method: clinical testing. Allele origin: germline.

Breakthrough Genomics
Classification: Benign. Review status: criteria provided, single submitter. Criteria: ACMG Guidelines, 2015. Collection method: not provided. Allele origin: germline. Inheritance: Autosomal recessive inheritance. Affected: yes.